The following is an entry in ClinVar:

NM_000355.4(TCN2):c.523G>A (p.Val175Met)

Gene: TCN2 (transcobalamin 2; plus strand). Cytogenetic location: 22q12.2.
Variant type: single nucleotide variant.
Coding change: c.523G>A on transcript NM_000355.4 (MANE Select); coding-DNA position 523, G replaced by A.
Protein change: p.Val175Met; replaces valine 175 with methionine.
Molecular consequence: missense variant.
Genome position (GRCh38, 1-based): chr22:30,614,444, G>A. VCF-style: chr22-30614444-G-A. GRCh37 (hg19) VCF-style: chr22-31010431-G-A.
Other names: c.442G>A, p.Val148Met (NM_001184726.2); short protein forms V175M, V148M.
Identifiers: ClinVar variation 529784 (VCV000529784.21), dbSNP rs142791153, ClinGen allele CA10184691.

ClinVar aggregate classification (germline): Conflicting classifications of pathogenicity. Review status: criteria provided, conflicting classifications (1 of 4 stars). 6 submissions from 6 submitters: Uncertain significance (2); Likely benign (3). 1 of the submissions does not count toward it. Last evaluated 2026-01-31.

Conditions:
TCN2-related disorder. Also called: TCN2-related condition.
Transcobalamin II deficiency (TCN2D). Also called: Transcolabamin II deficiency; TC II DEFICIENCY; TCN2 DEFICIENCY. Identifiers: Orphanet 859, MedGen C0342701, MONDO:0010149, OMIM 275350.
Inborn genetic diseases. Identifiers: MedGen C0950123, MeSH D030342.

Allele frequency attached by ClinVar (database versions not stated): gnomAD exomes 0.00035; ExAC 0.00040; 1000 Genomes Project 30x 0.00094; 1000 Genomes Project 0.00100; ESP Exome Variant Server 0.00123; gnomAD 0.00126 and 0.00134; TOPMed 0.00136.
gnomAD v4.1: 380 of 1,614,178 alleles (0.024%); highest among the groups gnomAD compares: African/African-American, 0.42%; 1 homozygote.

Submissions (6):

Labcorp Genetics (formerly Invitae), Labcorp
Classification: Likely benign for Transcobalamin II deficiency. Last evaluated: 2026-01-31. Review status: criteria provided, single submitter. Criteria: Invitae Variant Classification Sherloc (09022015). Collection method: clinical testing. Allele origin: germline.

Ambry Genetics
Classification: Uncertain significance for Inborn genetic diseases. Last evaluated: 2025-04-28. Review status: criteria provided, single submitter. Criteria: Ambry Variant Classification Scheme 2023. Collection method: clinical testing. Allele origin: germline.

Blueprint Genetics
Classification: Likely benign. Last evaluated: 2024-10-18. Review status: criteria provided, single submitter. Criteria: ACMG Guidelines, 2015. Collection method: clinical testing. Allele origin: germline.

Revvity Omics, Revvity
Classification: Uncertain significance for Transcobalamin II deficiency. Last evaluated: 2023-01-03. Review status: criteria provided, single submitter. Criteria: ACMG Guidelines, 2015. Collection method: clinical testing. Allele origin: germline.

Illumina Laboratory Services, Illumina
Classification: Likely benign for Transcobalamin II deficiency. Last evaluated: 2018-01-13. Review status: criteria provided, single submitter. Criteria: ICSL Variant Classification Criteria 13 December 2019. Collection method: clinical testing. Allele origin: germline.
Comment: This variant was observed in the ICSL laboratory as part of a predisposition screen in an ostensibly healthy population. It had not been previously curated by ICSL or reported in the Human Gene Mutation Database (HGMD: prior to June 1st, 2018), and was therefore a candidate for classification through an automated scoring system. Utilizing variant allele frequency, disease prevalence and penetrance estimates, and inheritance mode, an automated score was calculated to assess if this variant is too frequent to cause the disease. Based on the score and internal cut-off values, a variant classified as likely benign is not then subjected to further curation. The score for this variant resulted in a classification of likely benign for this disease.

PreventionGenetics, part of Exact Sciences
Classification: Likely benign for TCN2-related condition. Last evaluated: 2024-01-05. Review status: no assertion criteria provided. Collection method: clinical testing. Allele origin: germline. Not counted in ClinVar's aggregate classification.
Comment: This variant is classified as likely benign based on ACMG/AMP sequence variant interpretation guidelines (Richards et al. 2015 PMID: 25741868, with internal and published modifications).